The following is an entry in ClinVar:

NM_014363.6(SACS):c.2996T>G (p.Ile999Ser)

Gene: SACS (sacsin molecular chaperone; minus strand). Cytogenetic location: 13q12.12.
Variant type: single nucleotide variant.
Coding change: c.2996T>G on transcript NM_014363.6 (MANE Select); coding-DNA position 2996, T replaced by G.
Protein change: p.Ile999Ser; replaces isoleucine 999 with serine.
Molecular consequence: missense variant.
Genome position (GRCh38, 1-based): chr13:23,340,880, A>C on the plus strand (T>G on the coding strand, the complement: SACS is on the minus strand). VCF-style: chr13-23340880-A-C. GRCh37 (hg19) VCF-style: chr13-23915019-A-C.
Other names: c.2555T>G, p.Ile852Ser (NM_001278055.2); short protein forms I852S, I999S.
Identifiers: ClinVar variation 2005805 (VCV002005805.4), dbSNP rs371869943, ClinGen allele CA387537026.

ClinVar aggregate classification (germline): Uncertain significance (1 of 4 stars; one submission).

Conditions:
Spastic paraplegia. Identifiers: MedGen C0037772, HP:0001258.

Submission:

Labcorp Genetics (formerly Invitae), Labcorp
Classification: Uncertain significance for Spastic paraplegia. Last evaluated: 2025-03-17. Review status: criteria provided, single submitter. Criteria: Invitae Variant Classification Sherloc (09022015). Collection method: clinical testing. Allele origin: germline.
Comment: This sequence change replaces isoleucine, which is neutral and non-polar, with serine, which is neutral and polar, at codon 999 of the SACS protein (p.Ile999Ser). This variant is not present in population databases (gnomAD no frequency). This variant has not been reported in the literature in individuals affected with SACS-related conditions. ClinVar contains an entry for this variant (Variation ID: 2005805). Invitae Evidence Modeling of protein sequence and biophysical properties (such as structural, functional, and spatial information, amino acid conservation, physicochemical variation, residue mobility, and thermodynamic stability) indicates that this missense variant is not expected to disrupt SACS protein function with a negative predictive value of 95%. In summary, the available evidence is currently insufficient to determine the role of this variant in disease. Therefore, it has been classified as a Variant of Uncertain Significance.